The following is an entry in ClinVar:

ClinVar aggregate classification (germline): Conflicting classifications of pathogenicity. Review status: criteria provided, conflicting classifications (1 of 4 stars). 2 submissions from 2 submitters: Uncertain significance (1); Likely benign (1). Last evaluated 2025-11-23.

Conditions:
Hereditary cancer-predisposing syndrome. Also called: Hereditary Cancer Syndrome; Tumor predisposition; Neoplastic Syndromes, Hereditary; Hereditary neoplastic syndrome. Identifiers: Orphanet 140162, MedGen C0027672, MeSH D009386, MONDO:0015356.

Allele frequency attached by ClinVar (database versions not stated): gnomAD exomes below 0.00001.
gnomAD v4.1: 1 of 1,589,658 alleles (0.000063%); highest among the groups gnomAD compares: Non-Finnish European, 0.000086%; no homozygotes.

Submissions (2):

Labcorp Genetics (formerly Invitae), Labcorp
Classification: Uncertain significance. Last evaluated: 2025-11-23. Review status: criteria provided, single submitter. Criteria: Invitae Variant Classification Sherloc (09022015). Collection method: clinical testing. Allele origin: germline.
Comment: This sequence change replaces threonine, which is neutral and polar, with alanine, which is neutral and non-polar, at codon 766 of the MSH3 protein (p.Thr766Ala). This variant is not present in population databases (gnomAD no frequency). This variant has not been reported in the literature in individuals affected with MSH3-related conditions. ClinVar contains an entry for this variant (Variation ID: 1016308). An algorithm developed to predict the effect of missense changes on protein structure and function outputs the following: PolyPhen-2: "Benign". The alanine amino acid residue is found in multiple mammalian species, which suggests that this missense change does not adversely affect protein function. In summary, the available evidence is currently insufficient to determine the role of this variant in disease. Therefore, it has been classified as a Variant of Uncertain Significance.

Ambry Genetics
Classification: Likely benign for Hereditary cancer-predisposing syndrome. Last evaluated: 2020-12-03. Review status: criteria provided, single submitter. Criteria: Ambry Variant Classification Scheme 2023. Collection method: clinical testing. Allele origin: germline.

NM_002439.5(MSH3):c.2296A>G (p.Thr766Ala)

Gene: MSH3 (mutS homolog 3; plus strand). Cytogenetic location: 5q14.1.
Variant type: single nucleotide variant.
Coding change: c.2296A>G on transcript NM_002439.5 (MANE Select); coding-DNA position 2296, A replaced by G.
Protein change: p.Thr766Ala; replaces threonine 766 with alanine.
Molecular consequence: missense variant.
Genome position (GRCh38, 1-based): chr5:80,775,736, A>G. VCF-style: chr5-80775736-A-G. GRCh37 (hg19) VCF-style: chr5-80071555-A-G.
Other names: short protein forms T766A.
Identifiers: ClinVar variation 1016308 (VCV001016308.11), dbSNP rs1744286598, ClinGen allele CA360280885.
Genomic context (GRCh38, chr5:80,775,736, plus strand): 5'-TATTTGTATTTGTTTTAGTTTATGATAGAAATAAAGAACTCTGCTGTATCTTGTATACCA[A>G]CTGATTGGGTAAAGGTTGGAAGGTAGGTTTAAAATAAATTTTTTTCTTACAATGCATTAT-3'
Protein context (NP_002430.3, residues 756-776): IKNSAVSCIP[Thr766Ala]DWVKVGSTKA